The following is an entry in ClinVar:

ClinVar aggregate classification (germline): Pathogenic. Review status: criteria provided, multiple submitters, no conflicts (2 of 4 stars). 25 submissions from 25 submitters: Pathogenic (21). 4 of the submissions do not count toward it. Last evaluated 2026-09-04.

Conditions:
CYP27A1-related disorder. Also called: CYP27A1-related condition.
Cardiovascular phenotype. Identifiers: MedGen CN230736.
Cholestanol storage disease (CTX). Also called: CEREBRAL CHOLESTERINOSIS; CTX: Cerebrotendinous xanthomatosis; Cerebrotendinous Xanthomatosis. Identifiers: Orphanet 909, MedGen C0238052, MONDO:0008948, OMIM 213700.

Allele frequency attached by ClinVar (database versions not stated): TOPMed 0.00005; gnomAD 0.00009; gnomAD exomes 0.00013 and 0.00016; ExAC 0.00014.
gnomAD v4.1: 207 of 1,614,128 alleles (0.013%); highest among the groups gnomAD compares: South Asian, 0.085%; no homozygotes.

Submissions 1 to 11 of 26:

Ambry Genetics
Classification: Pathogenic for Cardiovascular phenotype. Last evaluated: 2026-09-04. Review status: criteria provided, single submitter. Criteria: Ambry Variant Classification Scheme 2023. Collection method: clinical testing. Allele origin: germline.
Comment: The c.1184+1G>A intronic pathogenic mutation results from a G to A substitution one nucleotide after coding exon 6 of the CYP27A1 gene. This variant has been identified in the homozygous state and/or in conjunction with other CYP27A1 variant(s) in individual(s) with features consistent with cerebrotendinous xanthomatosis (Good JM et al. Genes (Basel), 2021 May;12:[ePub ahead of print]; Kessel L et al. Ophthalmic Genet, 2021 Dec;42:650-658; Rashvand Z et al. Iran Biomed J, 2021 Mar;25:132-9; Brlek P et al. Biomedicines, 2023 May;11:[ePub ahead of print]). This nucleotide position is highly conserved in available vertebrate species. In silico splice site analysis predicts that this alteration will weaken the native splice donor site. Alterations that disrupt the canonical splice site are expected to cause aberrant splicing, resulting in an abnormal protein or a transcript that is subject to nonsense-mediated mRNA decay. Based on the supporting evidence, this variant is interpreted as a disease-causing mutation.

Labcorp Genetics (formerly Invitae), Labcorp
Classification: Pathogenic for Cholestanol storage disease. Last evaluated: 2026-01-16. Review status: criteria provided, single submitter. Criteria: Invitae Variant Classification Sherloc (09022015). Collection method: clinical testing. Allele origin: germline.
Comment: This sequence change affects a donor splice site in intron 6 of the CYP27A1 gene. RNA analysis indicates that disruption of this splice site induces altered splicing and may result in an absent or altered protein product. This variant is present in population databases (rs587778777, gnomAD 0.07%). Disruption of this splice site has been observed in individuals with cerebrotendinous xanthomatosis (PMID: 9392430, 21645175, 28894950). This variant is also known as In6+1G>A. ClinVar contains an entry for this variant (Variation ID: 65833). Studies have shown that disruption of this splice site results in skipping of 89 nucleotides of exon 6, and produces a non-functional protein and/or introduces a premature termination codon (PMID: 9392430). For these reasons, this variant has been classified as Pathogenic.

Natera, Inc.
Classification: Pathogenic for Cerebrotendinous xanthomatosis. Last evaluated: 2025-11-25. Review status: criteria provided, single submitter. Criteria: Natera Variant Classification Schema (03/2026). Collection method: clinical testing. Allele origin: germline.
Comment: The c.1184+1G>A variant in CYP27A1 is a canonical splice donor site variant predicted to affect pre-mRNA splicing, which may result in an abnormal transcript and altered protein product. This variant is expected to result in nonsense mediated decay, truncation, or a dysfunctional protein product. This variant is rare in the general population with a frequency below the threshold expected for the associated phenotype(s). This variant has been observed in one or more individuals affected with the associated recessive disease, as either homozygous or compound heterozygous with a second variant (PMID: 29260356). Additionally, this variant has been observed to segregate in affected family members (PMID: 29260356). Given the available evidence, this variant is classified as Pathogenic.

Dasa
Classification: Pathogenic. Last evaluated: 2025-09-23. Review status: criteria provided, single submitter. Criteria: DASA Assertion Criteria. Collection method: clinical testing. Allele origin: germline.
Comment: NM_000784.4(CYP27A1):c.1184+1G>A affects a canonical splice site and is predicted to disrupt normal RNA splicing, leading to loss of normal protein function. Loss-of-function is an established mechanism of disease for this gene. Functional evidence supports a deleterious effect on the gene or gene product (PMID: 38374498; PMID: 38952472; PMID: 37239101; PMID: 35743896; PMID: 33704661). This variant has been recurrently observed in individuals with related phenotype (PMID: 38374498; PMID: 38952472; PMID: 37239101; PMID: 35743896; PMID: 33704661). Segregation evidence has been reported in affected families. The variant is present at low frequency in population datasets. Based on the available data, this variant is classified as pathogenic.

PreventionGenetics, part of Exact Sciences
Classification: Pathogenic for CYP27A1-related condition. Last evaluated: 2025-09-13. Review status: criteria provided, single submitter. Criteria: ACMG Guidelines, 2015. Collection method: clinical testing. Allele origin: germline.
Comment: The CYP27A1 c.1184+1G>A variant is predicted to disrupt the GT donor site and interfere with normal splicing. This variant has been reported in the homozygous and compound heterozygous states in individuals with cerebrotendinous xanthomatosis (see, for example, Garuti et al. 1997. PubMed ID: 9392430; Lipiński et al. 2020. PubMed ID: 32793533). This variant is reported in 0.072% of alleles in individuals of South Asian descent in gnomAD. Variants that disrupt the consensus splice donor site in CYP27A1 are expected to be pathogenic, and this variant has been classified as pathogenic by multiple independent submitters to the ClinVar database (ClinVar Variation ID: 65833). This variant is interpreted as pathogenic.

Blueprint Genetics
Classification: Pathogenic for CYP27A1-related disorders. Last evaluated: 2024-10-11. Review status: criteria provided, single submitter. Criteria: ACMG Guidelines, 2015. Collection method: clinical testing. Allele origin: germline. Affected: yes. Observed: 5 variant alleles.

Foundation for Research in Genetics and Endocrinology, FRIGE's Institute of Human Genetics
Classification: Pathogenic for Cholestanol storage disease. Last evaluated: 2024-10-11. Review status: criteria provided, single submitter. Criteria: ACMG Guidelines, 2015. Collection method: clinical testing. Allele origin: germline. Inheritance: Autosomal recessive inheritance. Affected: yes. Observed: 1 compound heterozygote.
Comment: A heterozygous 5’ splice site proximal variant in intron 6 of the CYP27A1 gene was detected. The observed variant c.1184+1G>A (p.?) has a minor allele frequency of 0.0128% and 0.014% gnomAD and ExAC databases. The in silico prediction of the variant is damaging by SpliceAI.The reference base is conserved across species. In summary, the variant meets our criteria to be classified as a variant of pathogenic.

Fulgent Genetics
Classification: Pathogenic for Cholestanol storage disease. Last evaluated: 2024-04-02. Review status: criteria provided, single submitter. Criteria: ACMG Guidelines, 2015. Collection method: clinical testing. Allele origin: germline.

Pittsburgh Clinical Genomics Laboratory, University of Pittsburgh Medical Center
Classification: Pathogenic for Cholestanol storage disease. Last evaluated: 2023-07-07. Review status: criteria provided, single submitter. Criteria: ACMG Guidelines, 2015. Collection method: clinical testing. Allele origin: germline. Inheritance: Autosomal recessive inheritance. Affected: yes.
Comment: This sequence variant is a single nucleotide substitution (G>A) at the +1 position past the end of exon 6 of the CYP27A1 gene. This variant disrupts the canonical splice donor site and is predicted to have a significant impact on CYP27A1 gene splicing. A functiol study testing R splicing confirmed that this variant results in exon 7 skipping and generates a premature termition codon (PMID: 9392430). This is a previously reported variant (ClinVar) that has been observed in the homozygous or compound heterozygous state in several individuals with cerebrotendinous xanthomatosis (PMID: 9392430, 20450308, 28894950, 33400472, 37239101). This variant is present in the gnomAD population database (46 of 282682 alleles or 0.016%). Given the available evidence, we consider this variant to be pathogenic. ACMG Criteria: PM2, PS3, PS4, PVS1

Neuberg Centre For Genomic Medicine, NCGM
Classification: Pathogenic for Cholestanol storage disease. Last evaluated: 2023-05-20. Review status: criteria provided, single submitter. Criteria: ACMG Guidelines, 2015. Collection method: clinical testing. Allele origin: germline. Inheritance: Autosomal recessive inheritance. Affected: yes.
Comment: The observed invariant splice acceptor variant c.1184+1G>A in CYP27A1 gene has been reported previously in both homozygous and compound heterozygous state in multiple inviduals affected with cerebrotendinous xanthomatosis (Ginanneschi et al. 2013; Rashvand et al. 2021). Experimental evidence shows that this variant activates a cryptic donor splice site and leads to skipping of 89 base pairs of exon 6, introduces a new reading frame and creates a premature stop codon that does not three essential amino acids (Lys354, Lys358, and Arg362) that are important for the ferredoxin-binding domain (Rashvand et al. 2021). The c.1184+1G>A variant is present with an allele frequency of 0.02% on gnomAD Exomes database. This variant has been submitted to the ClinVar database as Likely Pathogenic / Pathogenic (multiple submissions). SpliceAI predicts a splice donor loss of 0.99 for this variant. Loss of function variants in CYP27A1 gene have been previously reported to be disease causing. For these reasons, this variant has been classified as Pathogenic. In the absence of another reportable variant in the CYP27A1 gene, the molecular diagnosis is not confirmed.

Mayo Clinic Laboratories, Mayo Clinic
Classification: Pathogenic. Last evaluated: 2023-05-05. Review status: criteria provided, single submitter. Criteria: ACMG Guidelines, 2015. Collection method: clinical testing. Allele origin: germline. Observed: 1 variant allele.
Comment: PP3, PM3, PS3, PS4, PVS1

NM_000784.4(CYP27A1):c.1184+1G>A

Gene: CYP27A1 (cytochrome P450 family 27 subfamily A member 1; plus strand). Cytogenetic location: 2q35.
Variant type: single nucleotide variant.
Coding change: c.1184+1G>A on transcript NM_000784.4 (MANE Select); the canonical splice donor site of the intron after coding-DNA position 1184, G replaced by A.
Molecular consequence: splice donor variant.
Genome position (GRCh38, 1-based): chr2:218,814,188, G>A. VCF-style: chr2-218814188-G-A. GRCh37 (hg19) VCF-style: chr2-219678911-G-A.
Other names: p.?; c.1184+1G>A; c.[1184+1G>A] (NM_000784.3).
Identifiers: ClinVar variation 65833 (VCV000065833.89), dbSNP rs587778777, ClinGen allele CA345161.